The following is an entry in ClinVar:

NM_002838.5(PTPRC):c.374A>G (p.Gln125Arg)

Gene: PTPRC (protein tyrosine phosphatase receptor type C; plus strand). Cytogenetic location: 1q31.3.
Variant type: single nucleotide variant.
Coding change: c.374A>G on transcript NM_002838.5 (MANE Select); coding-DNA position 374, A replaced by G.
Protein change: p.Gln125Arg; replaces glutamine 125 with arginine.
Molecular consequence: missense variant. On other transcripts: intron variant (1).
Genome position (GRCh38, 1-based): chr1:198,699,639, A>G. VCF-style: chr1-198699639-A-G. GRCh37 (hg19) VCF-style: chr1-198668768-A-G.
Other names: c.368A>G (NM_002838.3); c.101-3659A>G (NM_080921.4); short protein forms Q125R.
Identifiers: ClinVar variation 2169791 (VCV002169791.2), dbSNP rs370907315, ClinGen allele CA1314475.
Genomic context (GRCh38, chr1:198,699,639, plus strand): 5'-AGACGCCTCACCTTCCCACGCACGCAGACTCGCAGACGCCCTCTGCTGGAACTGACACGC[A>G]GACATTCAGCGGCTCCGCCGCCAATGCAAAACTCAACCCTACCCCAGGCAGCAATGCTAT-3'
Protein context (NP_002829.3, residues 115-135): SQTPSAGTDT[Gln125Arg]TFSGSAANAK

ClinVar aggregate classification (germline): Uncertain significance. Review status: criteria provided, multiple submitters, no conflicts (2 of 4 stars). 2 submissions from 2 submitters: Uncertain significance (2). Last evaluated 2022-06-12.

Conditions:
Inborn genetic diseases. Identifiers: MedGen C0950123, MeSH D030342.
Immunodeficiency 104. Also called: IMMUNODEFICIENCY 104, SEVERE COMBINED; Severe combined immunodeficiency, autosomal recessive, T cell-negative, B cell-positive, NK cell-positive; SCID, AUTOSOMAL RECESSIVE, T CELL-NEGATIVE, B CELL-POSITIVE, NK CELL-POSITIVE; Severe Combined Immune Deficiency, Autosomal Recessive, TCell -Negative, B Cell-Positive, NK Cell-Positive, IL7R-Related. Identifiers: MedGen C5676890, MONDO:0012163, OMIM 608971.

Allele frequency attached by ClinVar (database versions not stated): gnomAD exomes below 0.00001; ExAC 0.00001; gnomAD 0.00001; TOPMed 0.00002; ESP Exome Variant Server 0.00008.

Submissions (2):

Labcorp Genetics (formerly Invitae), Labcorp
Classification: Uncertain significance for Immunodeficiency 104. Last evaluated: 2022-06-12. Review status: criteria provided, single submitter. Criteria: Invitae Variant Classification Sherloc (09022015). Collection method: clinical testing. Allele origin: germline.
Comment: This sequence change replaces glutamine, which is neutral and polar, with arginine, which is basic and polar, at codon 125 of the PTPRC protein (p.Gln125Arg). This variant is present in population databases (rs370907315, gnomAD 0.0009%). This variant has not been reported in the literature in individuals affected with PTPRC-related conditions. Algorithms developed to predict the effect of missense changes on protein structure and function are either unavailable or do not agree on the potential impact of this missense change (SIFT: "Deleterious"; PolyPhen-2: "Possibly Damaging"; Align-GVGD: "Class C0"). In summary, the available evidence is currently insufficient to determine the role of this variant in disease. Therefore, it has been classified as a Variant of Uncertain Significance.

Ambry Genetics
Classification: Uncertain significance for Inborn genetic diseases. Last evaluated: 2021-08-02. Review status: criteria provided, single submitter. Criteria: Ambry Variant Classification Scheme 2023. Collection method: clinical testing. Allele origin: germline.